The following is an entry in ClinVar:

NM_001105206.3(LAMA4):c.3574C>T (p.Leu1192Phe)

Gene: LAMA4 (laminin subunit alpha 4; minus strand). Cytogenetic location: 6q21.
Variant type: single nucleotide variant.
Coding change: c.3574C>T on transcript NM_001105206.3 (MANE Select); coding-DNA position 3574, C replaced by T.
Protein change: p.Leu1192Phe; replaces leucine 1192 with phenylalanine.
Molecular consequence: missense variant.
Genome position (GRCh38, 1-based): chr6:112,133,471, G>A on the plus strand (C>T on the coding strand, the complement: LAMA4 is on the minus strand). VCF-style: chr6-112133471-G-A. GRCh37 (hg19) VCF-style: chr6-112454673-G-A.
Other names: c.3553C>T, p.Leu1185Phe (NM_001105207.3, NM_002290.5); short protein forms L1185F, L1192F.
Identifiers: ClinVar variation 406144 (VCV000406144.12), dbSNP rs181787647, ClinGen allele CA3965170.

ClinVar aggregate classification (germline): Uncertain significance. Review status: criteria provided, multiple submitters, no conflicts (2 of 4 stars). 2 submissions from 2 submitters: Uncertain significance (2). Last evaluated 2026-01-06.

Conditions:
Dilated cardiomyopathy 1JJ (CMD1JJ). Identifiers: Orphanet 154, MedGen C3808935, MONDO:0014095, OMIM 615235.
Cardiovascular phenotype. Identifiers: MedGen CN230736.

Allele frequency attached by ClinVar (database versions not stated): gnomAD 0.00001 and 0.00003; TOPMed 0.00001; gnomAD exomes 0.00003; ESP Exome Variant Server 0.00008; 1000 Genomes Project 30x 0.00016; 1000 Genomes Project 0.00020.
gnomAD v4.1: 51 of 1,613,604 alleles (0.0032%); highest among the groups gnomAD compares: Non-Finnish European, 0.0042%; no homozygotes.

Submissions (2):

Labcorp Genetics (formerly Invitae), Labcorp
Classification: Uncertain significance for Dilated cardiomyopathy 1JJ. Last evaluated: 2026-01-06. Review status: criteria provided, single submitter. Criteria: Invitae Variant Classification Sherloc (09022015). Collection method: clinical testing. Allele origin: germline.
Comment: This sequence change replaces leucine, which is neutral and non-polar, with phenylalanine, which is neutral and non-polar, at codon 1185 of the LAMA4 protein (p.Leu1185Phe). This variant is present in population databases (rs181787647, gnomAD 0.007%). This variant has not been reported in the literature in individuals affected with LAMA4-related conditions. ClinVar contains an entry for this variant (Variation ID: 406144). An algorithm developed to predict the effect of missense changes on protein structure and function (PolyPhen-2) suggests that this variant is likely to be disruptive. In summary, the available evidence is currently insufficient to determine the role of this variant in disease. Therefore, it has been classified as a Variant of Uncertain Significance.

Ambry Genetics
Classification: Uncertain significance for Cardiovascular phenotype. Last evaluated: 2025-11-18. Review status: criteria provided, single submitter. Criteria: Ambry Variant Classification Scheme 2023. Collection method: clinical testing. Allele origin: germline.
Comment: The p.L1185F variant (also known as c.3553C>T), located in coding exon 26 of the LAMA4 gene, results from a C to T substitution at nucleotide position 3553. The leucine at codon 1185 is replaced by phenylalanine, an amino acid with highly similar properties. This amino acid position is conserved. In addition, the in silico prediction for this alteration is inconclusive. Since supporting evidence is limited at this time, the clinical significance of this alteration remains unclear.